The following is an entry in ClinVar:

NM_000051.4(ATM):c.1165A>G (p.Ile389Val)

Gene: ATM (ATM serine/threonine kinase; plus strand). Cytogenetic location: 11q22.3.
Variant type: single nucleotide variant.
Coding change: c.1165A>G on transcript NM_000051.4 (MANE Select); coding-DNA position 1165, A replaced by G.
Protein change: p.Ile389Val; replaces isoleucine 389 with valine.
Molecular consequence: missense variant.
Genome position (GRCh38, 1-based): chr11:108,249,032, A>G. VCF-style: chr11-108249032-A-G. GRCh37 (hg19) VCF-style: chr11-108119759-A-G.
Other names: c.1165A>G, p.Ile389Val (NM_001351834.2); short protein forms I389V.
Identifiers: ClinVar variation 422299 (VCV000422299.15), dbSNP rs1060501704, ClinGen allele CA16619108.

ClinVar aggregate classification (germline): Conflicting classifications of pathogenicity. Review status: criteria provided, conflicting classifications (1 of 4 stars). 4 submissions from 4 submitters: Uncertain significance (3); Likely benign (1). Last evaluated 2024-07-01.

Conditions:
Hereditary cancer-predisposing syndrome. Also called: Hereditary neoplastic syndrome; Hereditary Cancer Syndrome; Neoplastic Syndromes, Hereditary; Tumor predisposition. Identifiers: Orphanet 140162, MedGen C0027672, MeSH D009386, MONDO:0015356.
Familial cancer of breast. Also called: hereditary breast carcinoma; Hereditary breast cancer; BREAST CANCER, FAMILIAL. Identifiers: Orphanet 227535, MedGen C0346153, MONDO:0016419, OMIM 114480. Disease mechanism: loss of function.
Ataxia-telangiectasia syndrome (AT). Also called: Ataxia-telangiectasia, complementation group D; Cerebello-oculocutaneous telangiectasia; Immunodeficiency with ataxia telangiectasia; ATAXIA-TELANGIECTASIA, COMPLEMENTATION GROUP A; ATAXIA-TELANGIECTASIA, FRESNO VARIANT; LOUIS-BAR SYNDROME. Identifiers: Orphanet 100, MedGen C0004135, MONDO:0008840, OMIM 208900.

Allele frequency attached by ClinVar (database versions not stated): gnomAD exomes below 0.00001.
gnomAD v4.1: 1 of 1,614,112 alleles (0.000062%); highest among the groups gnomAD compares: Non-Finnish European, 0.000085%; no homozygotes.

Submissions (4):

Ambry Genetics
Classification: Likely benign for Hereditary cancer-predisposing syndrome. Last evaluated: 2024-07-01. Review status: criteria provided, single submitter. Criteria: Ambry Variant Classification Scheme 2023. Collection method: clinical testing. Allele origin: germline.

Labcorp Genetics (formerly Invitae), Labcorp
Classification: Uncertain significance for Ataxia-telangiectasia syndrome. Last evaluated: 2024-04-30. Review status: criteria provided, single submitter. Criteria: Invitae Variant Classification Sherloc (09022015). Collection method: clinical testing. Allele origin: germline.
Comment: This sequence change replaces isoleucine, which is neutral and non-polar, with valine, which is neutral and non-polar, at codon 389 of the ATM protein (p.Ile389Val). This variant is not present in population databases (gnomAD no frequency). This variant has not been reported in the literature in individuals affected with ATM-related conditions. ClinVar contains an entry for this variant (Variation ID: 422299). An algorithm developed to predict the effect of missense changes on protein structure and function (PolyPhen-2) suggests that this variant is likely to be tolerated. In summary, the available evidence is currently insufficient to determine the role of this variant in disease. Therefore, it has been classified as a Variant of Uncertain Significance.

Baylor Genetics
Classification: Uncertain significance for Familial cancer of breast. Last evaluated: 2023-11-29. Review status: criteria provided, single submitter. Criteria: ACMG Guidelines, 2015. Collection method: clinical testing. Allele origin: unknown.

GeneDx
Classification: Uncertain significance. Last evaluated: 2016-09-19. Review status: criteria provided, single submitter. Criteria: GeneDx Variant Classification (06012015). Collection method: clinical testing. Allele origin: germline. Affected: yes.
Comment: This variant is denoted ATM c.1165A>G at the cDNA level, p.Ile389Val (I389V) at the protein level, and results in the change of an Isoleucine to a Valine (ATA>GTA). This variant has not, to our knowledge, been published in the literature as pathogenic or benign. ATM Ile389Val was not observed in approximately 6,500 individuals of European and African American ancestry in the NHLBI Exome Sequencing Project, suggesting it is not a common benign variant in these populations. Since Isoleucine and Valine share similar properties, this is considered a conservative amino acid substitution. ATM Ile389Val occurs at a position where amino acids with properties similar to Isoleucine are tolerated across species and is not located in a known functional domain (Tavtigian 2009, Stracker 2013). In silico analyses are inconsistent regarding the effect this variant may have on protein structure and function. Based on currently available evidence, it is unclear whether ATM Ile389Val is a pathogenic or benign variant. We consider it to be a variant of uncertain significance.